The following is an entry in ClinVar:

ClinVar aggregate classification (germline): Likely pathogenic. Review status: criteria provided, multiple submitters, no conflicts (2 of 4 stars). 2 submissions from 2 submitters: Likely pathogenic (2). Last evaluated 2026-06-01.

Conditions:
Primary familial dilated cardiomyopathy (FDC). Also called: Familial dilated cardiomyopathy; Hypokinetic dilated cardiomyopathy, familial. Identifiers: Orphanet 217607, MedGen C0340427, MONDO:0016333.
Autosomal recessive limb-girdle muscular dystrophy type 2J (LGMDR10). Also called: Limb-girdle muscular dystrophy, type 2J; MUSCULAR DYSTROPHY, LIMB-GIRDLE, AUTOSOMAL RECESSIVE 10. Identifiers: Orphanet 140922, MedGen C1837342, MONDO:0012127, OMIM 608807.
Dilated cardiomyopathy 1G (CMD1G). Identifiers: Orphanet 154, MedGen C1858763, MONDO:0011400, OMIM 604145.

Submissions (2):

Women's Health and Genetics/Laboratory Corporation of America, LabCorp
Classification: Likely pathogenic for Primary familial dilated cardiomyopathy. Last evaluated: 2026-06-01. Review status: criteria provided, single submitter. Criteria: LabCorp Variant Classification Summary - May 2015. Collection method: clinical testing. Allele origin: germline.
Comment: Variant summary: TTN NM_133378: c.81799G>T (p.Glu27267X), also known as NM_001267550: c.89503G>T (p.Glu29835X), results in a premature termination codon predicted to cause a truncation of the encoded protein or absence of the protein due to nonsense mediated decay, which are commonly known mechanisms for disease. Loss of function variants in all TTN bands are strongly associated with a spectrum of autosomal recessive titinopathies when exon expression (proportion spliced in, PSI, 1=complete expression) in skeletal muscle is >0.1 (PMID: 36977548, 39198997, 29598826, 32778822, 29691892, 33449170, 36977548, internal data). In contrast, loss of function variants in all TTN bands are only strongly associated with autosomal dominant TTN-related cardiomyopathies if located in exons constitutively expressed (PSI >0.9) in cardiac muscle, excluding extreme C-terminal exons 359-363 (PMID: 25589632, 31216868, 32964742, 34662387, 27869827, Shetty et al., Nat Cardiovasc Res 2024,, internal data). This variant is located in exon 334 in NM_001267550. This exon has a maximum skeletal muscle PSI of 0.936 and a maximum cardiac muscle PSI of 1 (PMID: 39198997). The variant was absent in 243986 control chromosomes. To our knowledge, no occurrence of c.81799G>T in individuals affected with TTN-related conditions and no experimental evidence demonstrating its impact on protein function have been reported. ClinVar contains an entry for this variant (Variation ID: 4786917). Based on the evidence outlined above, the variant was classified as likely pathogenic for both autosomal dominant and autosomal recessive TTN-related conditions.

Labcorp Genetics (formerly Invitae), Labcorp
Classification: Likely pathogenic for Dilated cardiomyopathy 1G; Autosomal recessive limb-girdle muscular dystrophy type 2J. Last evaluated: 2025-12-08. Review status: criteria provided, single submitter. Criteria: Invitae Variant Classification Sherloc (09022015). Collection method: clinical testing. Allele origin: germline.
Comment: This sequence change creates a premature translational stop signal (p.Glu29835*) in the TTN gene. While this is not anticipated to result in nonsense mediated decay, it is expected to create a truncated TTN protein. This variant is not present in population databases (gnomAD no frequency). This variant has not been reported in the literature in individuals affected with TTN-related conditions. Algorithms developed to predict the effect of sequence changes on RNA splicing suggest that this variant may disrupt the consensus splice site. This variant is located in the A band of TTN (PMID: 25589632). Truncating variants in this region are significantly overrepresented in patients affected with dilated cardiomyopathy (PMID: 25589632). Truncating variants in this region have also been reported in individuals affected with autosomal recessive centronuclear myopathy (PMID: 23975875). In summary, the currently available evidence indicates that the variant is pathogenic, but additional data are needed to prove that conclusively. Therefore, this variant has been classified as Likely Pathogenic.

Literature cited by the submitters: PubMed 25589632 (cited by Labcorp Genetics (formerly Invitae), Labcorp); PubMed 23975875 (cited by Labcorp Genetics (formerly Invitae), Labcorp).

NM_001267550.2(TTN):c.89503G>T (p.Glu29835Ter)

Genes: TTN (titin; minus strand), TTN-AS1 (TTN antisense RNA 1; plus strand). Cytogenetic location: 2q31.2.
Variant type: single nucleotide variant.
Coding change: c.89503G>T on transcript NM_001267550.2 (MANE Select); coding-DNA position 89503, G replaced by T.
Protein change: p.Glu29835Ter; replaces glutamic acid 29835 with a stop codon.
Molecular consequence: nonsense.
Genome position (GRCh38, 1-based): chr2:178,553,502, C>A on the plus strand (G>T on the coding strand, the complement: TTN is on the minus strand). VCF-style: chr2-178553502-C-A. GRCh37 (hg19) VCF-style: chr2-179418229-C-A.
Other names: c.84580G>T, p.Glu28194Ter (NM_001256850.1); c.62308G>T, p.Glu20770Ter (NM_003319.4); c.81799G>T, p.Glu27267Ter (NM_133378.4); c.62683G>T, p.Glu20895Ter (NM_133432.3); c.62884G>T, p.Glu20962Ter (NM_133437.4); short protein forms E28194*, E20770*, E20895*, E27267*, E29835*, E20962*.
Identifiers: ClinVar variation 4786917 (VCV004786917.2).
Genomic context (GRCh38, chr2:178,553,502, plus strand): 5'-AAGAGTGATTTCCTGGAAGTATGCTTATTAAAAAACATAATCAAACCAGTAGGTACATAC[C>A]AAGTATATCTTTAGCTTGTACAGGTTCATTCATTTCTATAGGTTCTCCTTGTCCAGCACA-3'